The following is an entry in ClinVar:

NM_001173464.2(KIF21A):c.3959+1G>A

Gene: KIF21A (kinesin family member 21A; minus strand). Cytogenetic location: 12q12.
Variant type: single nucleotide variant.
Coding change: c.3959+1G>A on transcript NM_001173464.2 (MANE Select); the canonical splice donor site of the intron after coding-DNA position 3959, G replaced by A.
Molecular consequence: splice donor variant. On other transcripts: intron variant (3).
Genome position (GRCh38, 1-based): chr12:39,315,228, C>T on the plus strand (G>A on the coding strand, the complement: KIF21A is on the minus strand). VCF-style: chr12-39315228-C-T. GRCh37 (hg19) VCF-style: chr12-39709030-C-T.
Other names: c.3800+2845G>A (NM_001173465.2); c.3848+2845G>A (NM_001173463.2); c.3920+1G>A (NM_017641.4); c.3923+1G>A (NM_001378441.1); c.3947+704G>A (NM_001378440.1); c.3962+1G>A (NM_001378439.1).
Identifiers: ClinVar variation 4976554 (VCV004976554.1).
Genomic context (GRCh38, chr12:39,315,228, plus strand): 5'-AACCTGTAAGGTCTTTTGATACTGGAAATGAAATTAATTTCCTCTCCCTTCCCCTGCCTA[C>T]CTTCTGGAGGATCTGCTGATGATCAGCAAAAATGGCCATAAAACAAGGAAAACAAGTGCA-3'

ClinVar aggregate classification (germline): Uncertain significance (1 of 4 stars; one submission).

Submission:

GeneDx
Classification: Uncertain significance. Last evaluated: 2026-02-10. Review status: criteria provided, single submitter. Criteria: GeneDx Variant Classification Process June 2021. Collection method: clinical testing. Allele origin: germline.
Comment: Not observed at significant frequency in large population cohorts (gnomAD); Has not been previously published as pathogenic or benign to our knowledge; Canonical splice site variant in a gene for which loss of function is not a known mechanism of disease